The following is an entry in ClinVar:

NM_002474.3(MYH11):c.205G>A (p.Val69Ile)

Gene: MYH11 (myosin heavy chain 11; minus strand). Cytogenetic location: 16p13.11.
Variant type: single nucleotide variant.
Coding change: c.205G>A on transcript NM_002474.3 (MANE Select); coding-DNA position 205, G replaced by A.
Protein change: p.Val69Ile; replaces valine 69 with isoleucine.
Molecular consequence: missense variant.
Genome position (GRCh38, 1-based): chr16:15,838,048, C>T on the plus strand (G>A on the coding strand, the complement: MYH11 is on the minus strand). VCF-style: chr16-15838048-C-T. GRCh37 (hg19) VCF-style: chr16-15931905-C-T.
Other names: c.205G>A, p.Val69Ile (NM_001040113.2, NM_001040114.2, NM_022844.3); short protein forms V69I.
Identifiers: ClinVar variation 1785198 (VCV001785198.4), dbSNP rs371215641, ClinGen allele CA7923108.

ClinVar aggregate classification (germline): Conflicting classifications of pathogenicity. Review status: criteria provided, conflicting classifications (1 of 4 stars). 3 submissions from 3 submitters: Uncertain significance (2); Likely benign (1). Last evaluated 2025-02-05.

Conditions:
Familial thoracic aortic aneurysm and aortic dissection (TAAD). Also called: Thoracic aortic aneurysms and dissections. Identifiers: Orphanet 91387, MedGen C4707243, MONDO:0019625.

Allele frequency attached by ClinVar (database versions not stated): gnomAD exomes 0.00001.
gnomAD v4.1: 5 of 1,614,126 alleles (0.00031%); highest among the groups gnomAD compares: East Asian, 0.011%; no homozygotes.

Submissions (3):

Women's Health and Genetics/Laboratory Corporation of America, LabCorp
Classification: Uncertain significance. Last evaluated: 2025-02-05. Review status: criteria provided, single submitter. Criteria: LabCorp Variant Classification Summary - May 2015. Collection method: clinical testing. Allele origin: germline.
Comment: Variant summary: MYH11 c.205G>A (p.Val69Ile) results in a conservative amino acid change located in the Myosin N-terminal SH3-like domain of the encoded protein sequence. Four of five in-silico tools predict a benign effect of the variant on protein function. The variant allele was found at a frequency of 2.4e-05 in 251494 control chromosomes. The available data on variant occurrences in the general population are insufficient to allow any conclusion about variant significance. To our knowledge, no occurrence of c.205G>A in individuals affected with Aortopathy and no experimental evidence demonstrating its impact on protein function have been reported. ClinVar contains an entry for this variant (Variation ID: 1785198). Based on the evidence outlined above, the variant was classified as uncertain significance.

Color Diagnostics, LLC DBA Color Health
Classification: Uncertain significance for Familial thoracic aortic aneurysm and aortic dissection. Last evaluated: 2024-01-29. Review status: criteria provided, single submitter. Criteria: ACMG Guidelines, 2015. Collection method: clinical testing. Allele origin: germline.
Comment: This missense variant replaces valine with isoleucine at codon 69 of the MYH11 protein. Computational prediction tools indicate that this variant has a neutral impact on protein structure and function. To our knowledge, functional studies have not been reported for this variant. This variant has not been reported in individuals affected with MYH11-related disorders in the literature. This variant has been identified in 6/251494 chromosomes in the general population by the Genome Aggregation Database (gnomAD). The available evidence is insufficient to determine the role of this variant in disease conclusively. Therefore, this variant is classified as a Variant of Uncertain Significance.

Ambry Genetics
Classification: Likely benign for Familial thoracic aortic aneurysm and aortic dissection. Last evaluated: 2020-11-10. Review status: criteria provided, single submitter. Criteria: Ambry Variant Classification Scheme 2023. Collection method: clinical testing. Allele origin: germline.